The following is an entry in ClinVar:

NM_000277.3(PAH):c.1243G>A (p.Asp415Asn)

Gene: PAH (phenylalanine hydroxylase; minus strand). Cytogenetic location: 12q23.2.
Variant type: single nucleotide variant.
Coding change: c.1243G>A on transcript NM_000277.3 (MANE Select); coding-DNA position 1243, G replaced by A.
Protein change: p.Asp415Asn; replaces aspartic acid 415 with asparagine.
Molecular consequence: missense variant.
Genome position (GRCh38, 1-based): chr12:102,840,472, C>T on the plus strand (G>A on the coding strand, the complement: PAH is on the minus strand). VCF-style: chr12-102840472-C-T. GRCh37 (hg19) VCF-style: chr12-103234250-C-T.
Other names: p.D415N:GAC>AAC; NM_000277.1(PAH):c.1243G>A; c.1243G>A, p.Asp415Asn (NM_001354304.2); c.1243G>A (NM_000277.2); short protein forms D415N.
Identifiers: ClinVar variation 617 (VCV000000617.81), dbSNP rs62644499, ClinGen allele CA114364.

ClinVar aggregate classification (germline): Pathogenic. Review status: reviewed by expert panel (3 of 4 stars). 24 submissions from 24 submitters: Pathogenic (1). 23 of the submissions do not count toward it. Last evaluated 2018-08-12.

Conditions:
Autosomal recessive PAH-related disorders.
PAH-related disorder. Also called: PAH-related condition.
Phenylketonuria (PKU). Also called: FOLLING DISEASE; Phenylketonuria (PKU); OLIGOPHRENIA PHENYLPYRUVICA; Phenylketonurias. Identifiers: Orphanet 716, MedGen C0031485, MONDO:0009861, OMIM 261600. Disease mechanism: loss of function.
Hyperphenylalaninemia. Also called: Hyperphenylalaninemia, non-pku; Hyperphenylalaninemia (HPA); Hyperphenylalaninaemia. Identifiers: MedGen C0751435, HP:0004923.

Allele frequency attached by ClinVar (database versions not stated): gnomAD exomes 0.00006 and 0.00011; ExAC 0.00006; gnomAD 0.00008 and 0.00011; TOPMed 0.00017.

Submissions 1 to 11 of 24:

ClinGen PAH Variant Curation Expert Panel
Classification: Pathogenic for Phenylketonuria. Last evaluated: 2018-08-12. Review status: reviewed by expert panel. Criteria: ClinGen PAH ACMG Specifications v1. Collection method: curation. Allele origin: germline. Inheritance: Autosomal recessive inheritance.
Comment: The c.1243G>A (p.Asp415Asn) variant in PAH has been reported in 3 patients with Hyperphenylalaninemia (BH4 deficiency excluded). (PP4_Moderate; PMID: 1358789). This variant has an extremely low allele frequency (0.0001097 in gnomAD) (PM2). This variant was detected in trans with R408W, F39L, Y414C, IVS10-11G>A (Pathogenic in ClinVar) (PM3_Very-strong; PMID: 1358789; PMID: 12501224; PMID: 18299955). In summary, this variant meets criteria to be classified as pathogenic for PAH. PAH-specific ACMG/AMP criteria applied: PP4_Moderate, PM3_Very-strong

Labcorp Genetics (formerly Invitae), Labcorp
Classification: Pathogenic for Phenylketonuria. Last evaluated: 2026-01-21. Review status: criteria provided, single submitter. Criteria: Invitae Variant Classification Sherloc (09022015). Collection method: clinical testing. Allele origin: germline. Not counted in ClinVar's aggregate classification.
Comment: This sequence change replaces aspartic acid, which is acidic and polar, with asparagine, which is neutral and polar, at codon 415 of the PAH protein (p.Asp415Asn). This variant is present in population databases (rs62644499, gnomAD 0.04%). This missense change has been observed in individual(s) with mild phenylketonuria or mild hyperphenylalaninemia (PMID: 1358789, 18299955, 23932990, 24296287). ClinVar contains an entry for this variant (Variation ID: 617). Invitae Evidence Modeling of protein sequence and biophysical properties (such as structural, functional, and spatial information, amino acid conservation, physicochemical variation, residue mobility, and thermodynamic stability) indicates that this missense variant is not expected to disrupt PAH protein function with a negative predictive value of 80%. Experimental studies have shown that this missense change does not substantially affect PAH function (PMID: 17935162). For these reasons, this variant has been classified as Pathogenic.

Dasa
Classification: Pathogenic. Last evaluated: 2026-01-16. Review status: criteria provided, single submitter. Criteria: DASA Assertion Criteria. Collection method: clinical testing. Allele origin: germline. Not counted in ClinVar's aggregate classification.
Comment: NM_000277.3(PAH):c.1243G>A (p.Asp415Asn) is a missense variant that results in the substitution of aspartic acid with asparagine. Functional evidence supports a deleterious effect on the gene or gene product (PMID: 1358789; PMID: 12501224; PMID: 39940237; PMID: 17935162; PMID: 40730740). This variant has been recurrently observed in individuals with related phenotype (PMID: 1358789; PMID: 12501224; PMID: 39940237; PMID: 17935162; PMID: 40730740). The variant is present at low frequency in population datasets. Based on the available data, this variant is classified as pathogenic.

3billion
Classification: Pathogenic for Phenylketonuria. Last evaluated: 2025-12-29. Review status: criteria provided, single submitter. Criteria: ACMG Guidelines, 2015. Collection method: clinical testing. Allele origin: germline. Affected: yes. Not counted in ClinVar's aggregate classification.
Comment: The variant is observed at an extremely low frequency in the gnomAD v4.1.0 dataset (total allele frequency: 0.007%). Predicted Consequence/Location: Missense variant In silico tool predictions suggest damaging effect of the variant on gene or gene product [3Cnet: 0.99 (> 0.75, sensitivity 0.96 and precision 0.92)]. The same nucleotide change resulting in the same amino acid change has been previously reported as pathogenic/likely pathogenic with strong evidence (ClinVar ID: VCV000000617 /PMID: 1358789). The variant has been reported to be in trans with a pathogenic variant as either compound heterozygous or homozygous in at least 4 similarly affected unrelated individuals (PMID: 12501224, 1358789, 18299955). Different missense changes at the same codon (p.Asp415His, p.Asp415Tyr, p.Asp415Val) have been reported as pathogenic/likely pathogenic with strong evidence (ClinVar ID: VCV001327547, VCV001693245 /PMID: 21462123, 21890392, 33803550). Therefore, this variant is classified as Pathogenic according to the recommendation of ACMG/AMP guideline.

PreventionGenetics, part of Exact Sciences
Classification: Pathogenic for PAH-related condition. Last evaluated: 2025-11-05. Review status: criteria provided, single submitter. Criteria: ACMG Guidelines, 2015. Collection method: clinical testing. Allele origin: germline. Not counted in ClinVar's aggregate classification.
Comment: The PAH c.1243G>A variant is predicted to result in the amino acid substitution p.Asp415Asn. This variant has been reported in the heterozygous state with a second PAH pathogenic variant in numerous patients with mild hyperphenylalaninemia (MHP) (e.g., Economou-Petersen et al. 1992. PubMed ID: 1358789; Guldberg et al. 1996. PubMed ID: 8929956; Zhu et al. 2013. PubMed ID: 23932990; Trunzo et al. 2014. PubMed ID: 24296287; Jeannesson-Thivisol et al. 2015. PubMed ID: 26666653; Supplemental Data, Hillert et al. 2020. PubMed ID: 32668217). We have also observed this variant in the homozygous or presumed compound heterozygous state with a second pathogenic variant in several patients with a biochemical or clinical diagnosis of hyperphenylalaninemia (PreventionGenetics internal data). In functional studies, the p.Asp415Asn substitution has been reported to reduce enzyme activity (Zurflüh et al. 2008. PubMed ID: 17935162; Himmelreich et al. 2018. PubMed ID: 30037505). The c.1243G>A (p.Asp415Asn) has been classified as ‘Pathogenic’ by the ClinGen PAH Variant Curation Expert Panel, as well as by several other outside laboratories (Variation ID: 617). Based on these observations, we classify this variant as pathogenic.

Variantyx, Inc.
Classification: Pathogenic for Autosomal recessive PAH-related disorders. Last evaluated: 2025-10-30. Review status: criteria provided, single submitter. Criteria: Variantyx Assertion Criteria 2022. Collection method: clinical testing. Allele origin: germline. Inheritance: Autosomal recessive inheritance. Affected: no. Not counted in ClinVar's aggregate classification.
Comment: This is a nonsynonymous variant in the PAH gene (OMIM: 612349). Pathogenic variants in this gene have been associated with autosomal recessive PAH-related disorders, a spectrum ranging from classic phenylketonuria (PKU) to non-PKU mild hyperphenylalaninemia (HPA). This variant has been identified in the homozygous or compound heterozygous state in multiple individuals reported in the published literature (PMID:1358789,12501224, 18299955, 23932990, 24296287 (PM3). Moreover, alternate amino acid changes at this position (p.Asp415Val; p.Asp415Tyr) have been previously reported in similarly affected individuals, which suggests that this residue is biologically important (Clinvar IDs: 1693245,1327547) (PM5). This variant has a 0.0350% maximum allele frequency in non-founder control populations (PM2). Other reputable laboratories have reported this variant as pathogenic or likely pathogenic (PP5). Based on the current evidence, this variant is classified as pathogenic for autosomal recessive PAH-related disorders.

Natera, Inc.
Classification: Pathogenic for Phenylketonuria. Last evaluated: 2025-09-16. Review status: criteria provided, single submitter. Criteria: Natera Variant Classification Schema (03/2026). Collection method: clinical testing. Allele origin: germline. Not counted in ClinVar's aggregate classification.
Comment: The c.1243G>A variant in PAH is a missense variant predicted to cause substitution of aspartic acid to asparagine at amino acid 415. This variant is rare in the general population with a frequency below the threshold expected for the associated phenotype(s). This variant has been observed in one or more individuals affected with the associated recessive disease, as either homozygous or compound heterozygous with a second variant (PMID: 30941500, 9359039). Given the available evidence, this variant is classified as Pathogenic.

First Genomix Gene Laboratory, Genetic Diagnostics Department
Classification: Pathogenic for Phenylketonuria. Last evaluated: 2025-05-05. Review status: criteria provided, single submitter. Criteria: ACMG Guidelines, 2015. Collection method: clinical testing. Allele origin: germline. Inheritance: Autosomal recessive inheritance. Affected: no. Observed: 1 variant allele. Not counted in ClinVar's aggregate classification.

Blueprint Genetics
Classification: Pathogenic for PAH-related disorders. Last evaluated: 2024-09-12. Review status: criteria provided, single submitter. Criteria: ACMG Guidelines, 2015. Collection method: clinical testing. Allele origin: germline. Affected: yes. Observed: 5 variant alleles. Not counted in ClinVar's aggregate classification.

Mayo Clinic Laboratories, Mayo Clinic
Classification: Pathogenic. Last evaluated: 2024-06-25. Review status: criteria provided, single submitter. Criteria: ACMG Guidelines, 2015. Collection method: clinical testing. Allele origin: germline. Observed: 1 variant allele. Not counted in ClinVar's aggregate classification.
Comment: PP4_moderate, PM2_moderate, PM3_very_strong

Laboratory of Medical Genetics, National & Kapodistrian University of Athens
Classification: Pathogenic for Phenylketonuria. Last evaluated: 2024-02-01. Review status: criteria provided, single submitter. Criteria: ACMG Guidelines, 2015. Collection method: curation. Allele origin: germline. Affected: no. Not counted in ClinVar's aggregate classification.